The following is an entry in ClinVar:

ClinVar aggregate classification (germline): Uncertain significance (1 of 4 stars; one submission).

Conditions:
Arrhythmogenic right ventricular dysplasia 8 (ARVD8). Also called: Arrhythmogenic Right Ventricular Dysplasia/Cardiomyopathy 8; ARRHYTHMOGENIC RIGHT VENTRICULAR DYSPLASIA, FAMILIAL, 8; ARRHYTHMOGENIC RIGHT VENTRICULAR CARDIOMYOPATHY 8. Identifiers: MedGen C1843896, MONDO:0011831, OMIM 607450.
Arrhythmogenic cardiomyopathy with wooly hair and keratoderma. Also called: PALMOPLANTAR KERATODERMA WITH LEFT VENTRICULAR CARDIOMYOPATHY AND WOOLLY HAIR; Carvajal syndrome; Dilated cardiomyopathy with woolly hair and keratoderma; Arrhythmogenic cardiomyopathy with woolly hair and keratoderma. Identifiers: Orphanet 65282, MedGen C1854063, MONDO:0011581, OMIM 605676.

Submission:

Labcorp Genetics (formerly Invitae), Labcorp
Classification: Uncertain significance for Arrhythmogenic cardiomyopathy with wooly hair and keratoderma; Arrhythmogenic right ventricular dysplasia 8. Last evaluated: 2024-03-25. Review status: criteria provided, single submitter. Criteria: Invitae Variant Classification Sherloc (09022015). Collection method: clinical testing. Allele origin: germline.
Comment: This sequence change replaces tyrosine, which is neutral and polar, with histidine, which is basic and polar, at codon 172 of the DSP protein (p.Tyr172His). This variant is not present in population databases (gnomAD no frequency). This variant has not been reported in the literature in individuals affected with DSP-related conditions. An algorithm developed to predict the effect of missense changes on protein structure and function (PolyPhen-2) suggests that this variant is likely to be disruptive. In summary, the available evidence is currently insufficient to determine the role of this variant in disease. Therefore, it has been classified as a Variant of Uncertain Significance.

NM_004415.4(DSP):c.514T>C (p.Tyr172His)

Gene: DSP (desmoplakin; plus strand). Cytogenetic location: 6p24.3.
Variant type: single nucleotide variant.
Coding change: c.514T>C on transcript NM_004415.4 (MANE Select); coding-DNA position 514, T replaced by C.
Protein change: p.Tyr172His; replaces tyrosine 172 with histidine.
Molecular consequence: missense variant.
Genome position (GRCh38, 1-based): chr6:7,559,317, T>C. VCF-style: chr6-7559317-T-C. GRCh37 (hg19) VCF-style: chr6-7559550-T-C.
Other names: c.514T>C, p.Tyr172His (NM_001008844.3, NM_001319034.2, NM_001406591.1); short protein forms Y172H.
Identifiers: ClinVar variation 3755508 (VCV003755508.2).
Genomic context (GRCh38, chr6:7,559,317, plus strand): 5'-CTTTATAAAGCCATCAGTGTCCCTCGAGTCCGCAGGGCCAGCTCCAAGGGTGGTGGAGGC[T>C]ACACTTGTCAGAGTGGCTCTGGCTGGGATGAGTTCACCAAACATGTCACCAGTGAATGTT-3'
Protein context (NP_004406.2, residues 162-182): RRASSKGGGG[Tyr172His]TCQSGSGWDE